The following is an entry in ClinVar:

ClinVar aggregate classification (germline): Conflicting classifications of pathogenicity. Review status: criteria provided, conflicting classifications (1 of 4 stars). 6 submissions from 6 submitters: Likely pathogenic (1); Benign (3); Likely benign (1). 1 of the submissions does not count toward it. Last evaluated 2026-09-01.

Conditions:
Microcephalic primordial dwarfism, Alazami type. Also called: Alazami syndrome; FACIAL DYSMORPHISM, INTELLECTUAL DISABILITY, AND PRIMORDIAL DWARFISM. Identifiers: Orphanet 319671, MedGen C3554439, MONDO:0014031, OMIM 615071.

Allele frequency attached by ClinVar (database versions not stated): 1000 Genomes Project 0.00559; 1000 Genomes Project 30x 0.00562; TOPMed 0.00840; gnomAD 0.00846 and 0.00850; gnomAD exomes 0.00955; ExAC 0.00972; ESP Exome Variant Server 0.00989.
gnomAD v4.1: 18,613 of 1,587,476 alleles (1.2%); highest among the groups gnomAD compares: Non-Finnish European, 1.4%; 153 homozygotes.

Submissions (6):

CeGaT Center for Human Genetics Tuebingen
Classification: Benign. Last evaluated: 2026-09-01. Review status: criteria provided, single submitter. Criteria: CeGaT Center For Human Genetics Tuebingen Variant Classification Criteria Version 2. Collection method: clinical testing. Allele origin: germline. Affected: yes. Observed: 41 variant alleles.
Comment: MIR302CHG: BS1, BS2; LARP7: BS1, BS2

Labcorp Genetics (formerly Invitae), Labcorp
Classification: Benign. Last evaluated: 2026-01-12. Review status: criteria provided, single submitter. Criteria: Invitae Variant Classification Sherloc (09022015). Collection method: clinical testing. Allele origin: germline.

Blueprint Genetics
Classification: Likely benign. Last evaluated: 2024-11-26. Review status: criteria provided, single submitter. Criteria: ACMG Guidelines, 2015. Collection method: clinical testing. Allele origin: germline.

Undiagnosed Diseases Network, NIH
Classification: Likely pathogenic for Microcephalic primordial dwarfism, Alazami type. Last evaluated: 2022-06-15. Review status: criteria provided, single submitter. Criteria: ACMG Guidelines, 2015. Collection method: clinical testing. Allele origin: maternal. Affected: yes. Observed: 1 variant allele, 1 compound heterozygote. Study: Undiagnosed Diseases Network (NIH), UDN.
Comment: Also found to have telomere shortening (< 10%) by RepeatDx.

Breakthrough Genomics
Classification: Benign. Review status: criteria provided, single submitter. Criteria: ACMG Guidelines, 2015. Collection method: not provided. Allele origin: germline. Inheritance: Autosomal recessive inheritance. Affected: yes.

Genetic Services Laboratory, University of Chicago
Classification: Likely benign for AllHighlyPenetrant. Review status: no assertion criteria provided. Collection method: clinical testing. Allele origin: germline. Inheritance: Autosomal recessive inheritance. Not counted in ClinVar's aggregate classification.
Comment: Likely benign based on allele frequency in 1000 Genomes Project or ESP global frequency and its presence in a patient with a rare or unrelated disease phenotype. NOT Sanger confirmed.

NM_016648.4(LARP7):c.651G>C (p.Glu217Asp)

Genes: LARP7 (La ribonucleoprotein 7, transcriptional regulator; plus strand), MIR302CHG (miR-302/367 cluster host gene; minus strand). Cytogenetic location: 4q25.
Variant type: single nucleotide variant.
Coding change: c.651G>C on transcript NM_016648.4 (MANE Select); coding-DNA position 651, G replaced by C.
Protein change: p.Glu217Asp; replaces glutamic acid 217 with aspartic acid.
Molecular consequence: missense variant.
Genome position (GRCh38, 1-based): chr4:112,647,203, G>C. VCF-style: chr4-112647203-G-C. GRCh37 (hg19) VCF-style: chr4-113568359-G-C.
Other names: p.Glu224Asp; c.651G>C, p.Glu217Asp (NM_001267039.4, NM_001370974.1, NM_001370975.1 and 2 more transcripts); c.648G>C, p.Glu216Asp (NM_001370976.1, NM_001370977.1, NM_001370979.1 and 1 more transcripts); c.414G>C, p.Glu138Asp (NM_001370981.1, NM_001370982.1); short protein forms E217D, E138D, E216D.
Identifiers: ClinVar variation 129479 (VCV000129479.47), dbSNP rs141178932, ClinGen allele CA153524.